The following is an entry in ClinVar:

ClinVar aggregate classification (germline): Conflicting classifications of pathogenicity. Review status: criteria provided, conflicting classifications (1 of 4 stars). 8 submissions from 8 submitters: Uncertain significance (1); Benign (4); Likely benign (1). 2 of the submissions do not count toward it. Last evaluated 2026-06-30.

Conditions:
Glycogen storage disease, type V (GSD5). Also called: McArdle type glycogen storage disease; MYOPHOSPHORYLASE DEFICIENCY; PYGM DEFICIENCY; MCARDLE DISEASE; MUSCLE GLYCOGEN PHOSPHORYLASE DEFICIENCY. Identifiers: Orphanet 368, MedGen C0017924, MONDO:0009293, OMIM 232600.

Allele frequency attached by ClinVar (database versions not stated): ESP Exome Variant Server 0.00092; TOPMed 0.00062; ExAC 0.00084; gnomAD exomes 0.00099 and 0.00047; gnomAD 0.00058 and 0.00054.
gnomAD v4.1: 824 of 1,614,066 alleles (0.051%); highest among the groups gnomAD compares: Middle Eastern, 0.066%; 6 homozygotes.

Submissions (8):

Women's Health and Genetics/Laboratory Corporation of America, LabCorp
Classification: Likely benign. Last evaluated: 2026-06-30. Review status: criteria provided, single submitter. Criteria: LabCorp Variant Classification Summary - May 2015. Collection method: clinical testing. Allele origin: germline.
Comment: Variant summary: PYGM c.182G>A (p.Arg61His) results in a non-conservative amino acid change in the encoded protein sequence. Algorithms developed to predict the effect of missense changes on protein structure and function all suggest that this variant is likely to be disruptive. The variant allele was found at a frequency of 0.00091 in 282676 control chromosomes, predominantly at a frequency of 0.02 within the Latino subpopulation in the gnomAD database, including 4 homozygotes. The observed variant frequency within Latino control individuals in the gnomAD database exceeds the estimated maximal expected allele frequency for disease-causing variants in PYGM. To our knowledge, no occurrence of c.182G>A in individuals affected with PYGM-related conditions and no experimental evidence demonstrating its impact on protein function have been reported. ClinVar contains an entry for this variant (Variation ID: 193317). Based on the evidence outlined above, the variant was classified as likely benign.

Labcorp Genetics (formerly Invitae), Labcorp
Classification: Benign for Glycogen storage disease, type V. Last evaluated: 2026-01-28. Review status: criteria provided, single submitter. Criteria: Invitae Variant Classification Sherloc (09022015). Collection method: clinical testing. Allele origin: germline.

Mayo Clinic Laboratories, Mayo Clinic
Classification: Benign. Last evaluated: 2025-06-09. Review status: criteria provided, single submitter. Criteria: ACMG Guidelines, 2015. Collection method: clinical testing. Allele origin: germline. Observed: 2 variant alleles.
Comment: BS1, BS2

Eurofins Ntd Llc (ga)
Classification: Benign. Last evaluated: 2018-06-08. Review status: criteria provided, single submitter. Criteria: EGL ClinVar v180209 classification definitions. Collection method: clinical testing. Allele origin: germline. Observed: 2 variant alleles, 2 heterozygotes.

GeneDx
Classification: Benign. Last evaluated: 2018-05-18. Review status: criteria provided, single submitter. Criteria: GeneDx Variant Classification (06012015). Collection method: clinical testing. Allele origin: germline. Affected: yes.
Comment: This variant is considered likely benign or benign based on one or more of the following criteria: it is a conservative change, it occurs at a poorly conserved position in the protein, it is predicted to be benign by multiple in silico algorithms, and/or has population frequency not consistent with disease.

Illumina Laboratory Services, Illumina
Classification: Uncertain significance for Glycogen storage disease, type V. Last evaluated: 2018-01-12. Review status: criteria provided, single submitter. Criteria: ICSL Variant Classification Criteria 13 December 2019. Collection method: clinical testing. Allele origin: germline.

Natera, Inc.
Classification: Benign for Glycogen storage disease V. Last evaluated: 2020-05-20. Review status: no assertion criteria provided. Collection method: clinical testing. Allele origin: germline. Not counted in ClinVar's aggregate classification.

Counsyl
Classification: Likely benign for Glycogen storage disease, type V. Last evaluated: 2017-01-09. Review status: no assertion criteria provided. Collection method: clinical testing. Allele origin: unknown. Not counted in ClinVar's aggregate classification.

Literature cited by the submitters: PubMed 27378695 (cited by Women's Health and Genetics/Laboratory Corporation of America, LabCorp).

NM_005609.4(PYGM):c.182G>A (p.Arg61His)

Gene: PYGM (glycogen phosphorylase, muscle associated; minus strand). Cytogenetic location: 11q13.1.
Variant type: single nucleotide variant.
Coding change: c.182G>A on transcript NM_005609.4 (MANE Select); coding-DNA position 182, G replaced by A.
Protein change: p.Arg61His; replaces arginine 61 with histidine.
Molecular consequence: missense variant.
Genome position (GRCh38, 1-based): chr11:64,759,717, C>T on the plus strand (G>A on the coding strand, the complement: PYGM is on the minus strand). VCF-style: chr11-64759717-C-T. GRCh37 (hg19) VCF-style: chr11-64527189-C-T.
Other names: p.Arg61His; c.182G>A, p.Arg61His (NM_001164716.1); short protein forms R61H.
Identifiers: ClinVar variation 193317 (VCV000193317.25), dbSNP rs145514333, ClinGen allele CA238832.